The following is an entry in ClinVar:

NM_000271.5(NPC1):c.907A>T (p.Thr303Ser)

Gene: NPC1 (NPC intracellular cholesterol transporter 1; minus strand). Cytogenetic location: 18q11.2.
Variant type: single nucleotide variant.
Coding change: c.907A>T on transcript NM_000271.5 (MANE Select); coding-DNA position 907, A replaced by T.
Protein change: p.Thr303Ser; replaces threonine 303 with serine.
Molecular consequence: missense variant.
Genome position (GRCh38, 1-based): chr18:23,557,165, T>A on the plus strand (A>T on the coding strand, the complement: NPC1 is on the minus strand). VCF-style: chr18-23557165-T-A. GRCh37 (hg19) VCF-style: chr18-21137129-T-A.
Other names: short protein forms T303S.
Identifiers: ClinVar variation 2985485 (VCV002985485.3), dbSNP rs2511288508, ClinGen allele CA401779696.

ClinVar aggregate classification (germline): Uncertain significance (1 of 4 stars; one submission).

Conditions:
Niemann-Pick disease, type C1. Also called: NIEMANN-PICK DISEASE, VARIANT TYPE C1; NEUROVISCERAL STORAGE DISEASE WITH VERTICAL SUPRANUCLEAR OPHTHALMOPLEGIA; NIEMANN-PICK DISEASE WITH CHOLESTEROL ESTERIFICATION BLOCK; NIEMANN-PICK DISEASE WITHOUT SPHINGOMYELINASE DEFICIENCY; NIEMANN-PICK DISEASE, CHRONIC NEURONOPATHIC FORM. Identifiers: Orphanet 646, MedGen C3179455, MONDO:0009757, OMIM 257220.

Submission:

Labcorp Genetics (formerly Invitae), Labcorp
Classification: Uncertain significance for Niemann-Pick disease, type C1. Last evaluated: 2023-07-25. Review status: criteria provided, single submitter. Criteria: Invitae Variant Classification Sherloc (09022015). Collection method: clinical testing. Allele origin: germline.
Comment: In summary, the available evidence is currently insufficient to determine the role of this variant in disease. Therefore, it has been classified as a Variant of Uncertain Significance. Advanced modeling of protein sequence and biophysical properties (such as structural, functional, and spatial information, amino acid conservation, physicochemical variation, residue mobility, and thermodynamic stability) performed at Invitae indicates that this missense variant is not expected to disrupt NPC1 protein function. This variant has not been reported in the literature in individuals affected with NPC1-related conditions. This variant is not present in population databases (gnomAD no frequency). This sequence change replaces threonine, which is neutral and polar, with serine, which is neutral and polar, at codon 303 of the NPC1 protein (p.Thr303Ser).